The following is an entry in ClinVar:

NM_000059.4(BRCA2):c.7477A>G (p.Met2493Val)

Gene: BRCA2 (BRCA2 DNA repair associated; plus strand). Cytogenetic location: 13q13.1.
Variant type: single nucleotide variant.
Coding change: c.7477A>G on transcript NM_000059.4 (MANE Select); coding-DNA position 7477, A replaced by G.
Protein change: p.Met2493Val; replaces methionine 2493 with valine.
Molecular consequence: missense variant.
Genome position (GRCh38, 1-based): chr13:32,356,469, A>G. VCF-style: chr13-32356469-A-G. GRCh37 (hg19) VCF-style: chr13-32930606-A-G.
Other names: short protein forms M2493V.
Identifiers: ClinVar variation 418623 (VCV000418623.4), dbSNP rs1064793329, ClinGen allele CA16619763.
Genomic context (GRCh38, chr13:32,356,469, plus strand): 5'-AGTATTTATTCTTTGATAGATTTAATTACAAGTCTTCAGAATGCCAGAGATATACAGGAT[A>G]TGCGAATTAAGAAGAAACAAAGGCAACGCGTCTTTCCACAGCCAGGCAGTCTGTATCTTG-3'
Protein context (NP_000050.3, residues 2483-2503): SLQNARDIQD[Met2493Val]RIKKKQRQRV

ClinVar aggregate classification (germline): Uncertain significance. Review status: criteria provided, multiple submitters, no conflicts (2 of 4 stars). 2 submissions from 2 submitters: Uncertain significance (2). Last evaluated 2025-07-06.

Conditions:
Hereditary breast ovarian cancer syndrome. Also called: Hereditary breast and ovarian cancer; Hereditary breast and/or ovarian cancer syndrome; Hereditary breast and ovarian cancer syndrome; Hereditary breast and ovarian cancer syndrome (HBOC); Breast and ovarian cancer; BRCA1- and BRCA2-Associated Hereditary Breast and Ovarian Cancer. Identifiers: Orphanet 145, MedGen C0677776, MeSH D061325, MONDO:0003582. Disease mechanism: loss of function.

Submissions (2):

Labcorp Genetics (formerly Invitae), Labcorp
Classification: Uncertain significance for Hereditary breast ovarian cancer syndrome. Last evaluated: 2025-07-06. Review status: criteria provided, single submitter. Criteria: Invitae Variant Classification Sherloc (09022015). Collection method: clinical testing. Allele origin: germline.
Comment: This sequence change replaces methionine, which is neutral and non-polar, with valine, which is neutral and non-polar, at codon 2493 of the BRCA2 protein (p.Met2493Val). This variant is not present in population databases (gnomAD no frequency). This variant has not been reported in the literature in individuals affected with BRCA2-related conditions. ClinVar contains an entry for this variant (Variation ID: 418623). Invitae Evidence Modeling of protein sequence and biophysical properties (such as structural, functional, and spatial information, amino acid conservation, physicochemical variation, residue mobility, and thermodynamic stability) indicates that this missense variant is not expected to disrupt BRCA2 protein function with a negative predictive value of 95%. In summary, the available evidence is currently insufficient to determine the role of this variant in disease. Therefore, it has been classified as a Variant of Uncertain Significance.

GeneDx
Classification: Uncertain significance. Last evaluated: 2016-09-12. Review status: criteria provided, single submitter. Criteria: GeneDx Variant Classification (06012015). Collection method: clinical testing. Allele origin: germline. Affected: yes.
Comment: This variant is denoted BRCA2 c.7477A>G at the cDNA level, p.Met2493Val (M2493V) at the protein level, and results in the change of a Methionine to a Valine (ATG>GTG). Using alternate nomenclature, this variant would be defined as BRCA2 7705A>G. This variant has not, to our knowledge, been published in the literature as pathogenic or benign. BRCA2 Met2493Val was not observed in approximately 6,500 individuals of European and African American ancestry in the NHLBI Exome Sequencing Project, suggesting it is not a common benign variant in these populations. Since Methionine and Valine share similar properties, this is considered a conservative amino acid substitution. BRCA2 Met2493Val occurs at a position that is not conserved and is located in the DNA binding domain and the FANCD2 binding domain (Yang 2002, UniProt). In silico analyses are inconsistent regarding the effect this variant may have on protein structure and function. Based on currently available evidence, it is unclear whether BRCA2 Met2493Val is a pathogenic or benign variant. We consider it to be a variant of uncertain significance.